The following is an entry in ClinVar:

ClinVar aggregate classification (germline): Conflicting classifications of pathogenicity. Review status: criteria provided, conflicting classifications (1 of 4 stars). 10 submissions from 10 submitters: Uncertain significance (3); Benign (1); Likely benign (1). 5 of the submissions do not count toward it. Last evaluated 2020-07-02.

Conditions:
Rolandic epilepsy, impaired intellectual development, and speech dyspraxia, X-linked. Also called: Rolandic epilepsy, impaired intellectual development, and speech dyspraxia; Rolandic epilepsy, intellectual disability, and speech dyspraxia, X-linked. Identifiers: MedGen C1845070, MONDO:0010388, OMIM 300643.

Allele frequency attached by ClinVar (database versions not stated): gnomAD 0.00041; gnomAD exomes 0.00057; TOPMed 0.00037; ExAC 0.00054.
gnomAD v4.1: 1,054 of 1,209,994 alleles (0.087%); highest among the groups gnomAD compares: Non-Finnish European, 0.11%; 2 homozygotes.

Submissions (10):

Labcorp Genetics (formerly Invitae), Labcorp
Classification: Benign for Rolandic epilepsy, impaired intellectual development, and speech dyspraxia, X-linked. Last evaluated: 2020-07-02. Review status: criteria provided, single submitter. Criteria: Invitae Variant Classification Sherloc (09022015). Collection method: clinical testing. Allele origin: germline.

GeneDx
Classification: Uncertain significance. Last evaluated: 2018-07-11. Review status: criteria provided, single submitter. Criteria: GeneDx Variant Classification (06012015). Collection method: clinical testing. Allele origin: germline. Affected: yes.
Comment: p.Asn327Ser (AAC>AGC): c.980 A>G in exon 9 in the SRPX2 gene (NM_014467.2).The N327S variant in the SRPX2 gene has been reported previously in association with Rolandic seizures and intellectual disability (Roll et al., 2006). The N327S variant segregated with the phenotype in multiple family members and results in a gain-of-function glycosylation that likely disrupts protein folding and function. However, Piton et al. later questioned the pathogenicity of the N327S variant because of the frequency in control populations (2013). The NHLBI ESP Exome Sequencing Project reports N327S was observed in 0.16% (11/6728) alleles from individuals of European background, including 3 hemizygous males. The N327S variant is a conservative amino acid substitution, which is not likely to impact secondary protein structure as these residues share similar properties. This substitution occurs at a position that is conserved in mammals. In silico analysis is inconsistent in its predictions as to whether or not the variant is damaging to the protein structure/function. We interpret N327S as a variant of unknown significance, which may be related to the reported brain malformation. The variant is found in ,SRPX2 panel(s).

SIB Swiss Institute of Bioinformatics
Classification: Uncertain significance for Rolandic epilepsy, impaired intellectual development, and speech dyspraxia, X-linked. Last evaluated: 2018-05-31. Review status: criteria provided, single submitter. Criteria: ACMG Guidelines, 2015. Collection method: curation. Allele origin: unknown.
Comment: This variant is interpreted as a Uncertain Significance - Conflicting Evidence, for Rolandic epilepsy, mental retardation, and speech dyspraxia, X-linked, in X-linked Recessive manner. The following ACMG Tag(s) were applied: BS2 => Observed in a healthy adult individual for a recessive (homozygous), dominant (heterozygous), or X-linked (hemizygous) disorder, with full penetrance expected at an early age (PMID:24995671) (PMID:23871722). PS3-Supporting => PS3 downgraded in strength to Supporting (PMID:16497722).

Genetic Services Laboratory, University of Chicago
Classification: Likely benign. Last evaluated: 2017-12-29. Review status: criteria provided, single submitter. Criteria: ACMG Guidelines, 2015. Collection method: clinical testing. Allele origin: germline. Affected: no.

Eurofins Ntd Llc (ga)
Classification: Uncertain significance. Last evaluated: 2013-11-19. Review status: criteria provided, single submitter. Criteria: EGL Classification Definitions 2015. Collection method: clinical testing. Allele origin: germline. Observed: 1 variant allele, 1 heterozygote.

OMIM
Classification: Uncertain significance for RECLASSIFIED - VARIANT OF UNKNOWN SIGNIFICANCE. Last evaluated: 2014-08-01. Review status: no assertion criteria provided. Collection method: literature only. Allele origin: germline. Not counted in ClinVar's aggregate classification.

Department of Pathology and Laboratory Medicine, Sinai Health System
Classification: Likely benign. Review status: no assertion criteria provided. Collection method: clinical testing. Allele origin: unknown. Affected: yes. Study: The Canadian Open Genetics Repository (COGR). Not counted in ClinVar's aggregate classification.
Comment: The SRPX2 p.N327S variant was identified in 2 of 348 proband chromosomes (frequency: 0.0057) from individuals or families with Rolandic epilepsy (RE) and atypical RE and was present in 1 of 806 control chromosomes (frequency: 0.0012) from healthy individuals (Reinthaler_2014_PMID:24995671). Reinthaler et al. (2014) suggested the p.N327S variant does not play a major role in RE. The p.N327S variant was identified in a three generation family with atypical RE, verbal dyspraxia and cognitive impairment of variable degrees (Roll_2006_PMID:16497722). However a potentially deleterious variant, p.A716T, in the GRIN2A gene was found in a subsequent study of this family that segregated in all affected individuals (Lesca_2013_PMID:23933820). All but 2 affected family members with the SRPX2 mutation also carried the GRIN2A mutation, and all patients with the GRIN2A mutation had seizures, whereas the 2 patients with only the SRPX2 mutation and not the GRIN2A mutation did not have seizures (Lesca_2013_PMID:23933820). The variant was identified in dbSNP (ID: rs121918363), LOVD 3.0 (classified as likely benign) and in ClinVar (classified as benign by Invitae, likely benign by Diagnostic Laboratory, Department of Genetics, University Medical Center Groningen and as uncertain significance by EGL Genetics, Swiss Institute of Bioinformatics, GeneDx and Genetic Services Laboratory, University of Chicago). The variant was identified in control databases in 111 of 205296 chromosomes (1 homozygous; 27 hemizygous) at a frequency of 0.000541 increasing the likelihood this could be a low frequency benign variant (Genome Aggregation Database March 6, 2019, v2.1.1). The variant was observed in the following populations: European (non-Finnish) in 104 of 92730 chromosomes (freq: 0.001122), Other in 1 of 5338 chromosomes (freq: 0.000187), African in 3 of 18978 chromosomes (freq: 0.000158), European (Finnish) in 2 of 18621 chromosomes (freq: 0.000107) and Latino in 1 of 28049 chromosomes (freq: 0.000036), but was not observed in the Ashkenazi Jewish, East Asian, or South Asian populations. The variant occurs outside of the splicing consensus sequence and two of four in silico or computational prediction software programs (SpliceSiteFinder, MaxEntScan, NNSPLICE, GeneSplicer) predict a greater than 10% difference in splicing; this is not very predictive of pathogenicity. The p.Asn327 residue is conserved in mammals but not in more distantly related organisms however four out of five computational analyses (PolyPhen-2, SIFT, AlignGVGD, BLOSUM, MutationTaster) do not suggest a high likelihood of impact to the protein; this information is not predictive enough to rule out pathogenicity. Using an in utero Srpx2 silencing approach in mouse models, the expression of the mutant p.N327S-SRPX2 protein was found to lead to impaired development of the cerebral cortex and post-natal epileptiform activity (Salmi_2013_PMID:23831613). The p.N327S mutation was also shown to lead to gain-of-glycosylation of the mutant SRPX2 protein which causes partial retentionof the altered protein within the endoplasmic reticulumin a transfected-cell model (Roll_2006_PMID:16497722). In summary, based on the above information the clinical significance of this variant cannot be determined with certainty at this time although we would lean towards a more benign role for this variant. This variant is classified as likely benign.

Diagnostic Laboratory, Department of Genetics, University Medical Center Groningen
Classification: Likely benign for Rolandic epilepsy, impaired intellectual development, and speech dyspraxia, X-linked. Review status: no assertion criteria provided. Collection method: clinical testing. Allele origin: germline. Affected: yes. Study: VKGL Data-share Consensus. Not counted in ClinVar's aggregate classification.

Genome Diagnostics Laboratory, University Medical Center Utrecht
Classification: Likely benign. Review status: no assertion criteria provided. Collection method: clinical testing. Allele origin: germline. Affected: yes. Study: VKGL Data-share Consensus. Not counted in ClinVar's aggregate classification.

Laboratory of Diagnostic Genome Analysis, Leiden University Medical Center (LUMC)
Classification: Likely benign. Review status: no assertion criteria provided. Collection method: clinical testing. Allele origin: germline. Affected: yes. Study: VKGL Data-share Consensus. Not counted in ClinVar's aggregate classification.

Literature cited by the submitters: PubMed 24995671 (cited by SIB Swiss Institute of Bioinformatics and OMIM); PubMed 23871722 (cited by 3 submitters); PubMed 16497722 (cited by 3 submitters); PubMed 23933820 (cited by OMIM); PubMed 23831613 (cited by OMIM).

NM_014467.3(SRPX2):c.980A>G (p.Asn327Ser)

Gene: SRPX2 (sushi repeat containing protein X-linked 2; plus strand). Cytogenetic location: Xq22.1.
Variant type: single nucleotide variant.
Coding change: c.980A>G on transcript NM_014467.3 (MANE Select); coding-DNA position 980, A replaced by G.
Protein change: p.Asn327Ser; replaces asparagine 327 with serine.
Molecular consequence: missense variant.
Genome position (GRCh38, 1-based): chrX:100,667,292, A>G. VCF-style: chrX-100667292-A-G. GRCh37 (hg19) VCF-style: chrX-99922289-A-G.
Other names: SRPX2, ASN327SER (rs121918363); p.N327S:AAC>AGC; NM_014467.2(SRPX2):c.980A>G(p.Asn327Ser); short protein forms N327S.
Identifiers: ClinVar variation 10775 (VCV000010775.29), dbSNP rs121918363, ClinGen allele CA121160.